The following is an entry in ClinVar:

ClinVar aggregate classification (germline): Conflicting classifications of pathogenicity. Review status: criteria provided, conflicting classifications (1 of 4 stars). 12 submissions from 11 submitters: Uncertain significance (4); Likely benign (6). 2 of the submissions do not count toward it. Last evaluated 2026-04-01.

Conditions:
Joubert syndrome 9 (JBTS9). Identifiers: Orphanet 2318, MedGen C2676788, MONDO:0012849, OMIM 612285.
Meckel-Gruber syndrome. Also called: DYSENCEPHALIA SPLANCHNOCYSTICA; GRUBER SYNDROME; Dysencephalia splachnocystica. Identifiers: Orphanet 564, MedGen C0265215, MONDO:0018921.
Joubert syndrome. Also called: Familial aplasia of the vermis; JOUBERT-BOLTSHAUSER SYNDROME. Identifiers: Orphanet 475, MedGen C5979921, MONDO:0018772.
Meckel syndrome, type 6. Identifiers: Orphanet 564, MedGen C2676790, MONDO:0012848, OMIM 612284.

Allele frequency attached by ClinVar (database versions not stated): ExAC 0.00031; gnomAD exomes 0.00032 and 0.00064; ESP Exome Variant Server 0.00034; gnomAD 0.00034 and 0.00036; TOPMed 0.00036.
gnomAD v4.1: 955 of 1,595,288 alleles (0.06%); highest among the groups gnomAD compares: Non-Finnish European, 0.078%; 1 homozygote.

Submissions (12):

CeGaT Center for Human Genetics Tuebingen
Classification: Likely benign. Last evaluated: 2026-04-01. Review status: criteria provided, single submitter. Criteria: CeGaT Center For Human Genetics Tuebingen Variant Classification Criteria Version 2. Collection method: clinical testing. Allele origin: germline. Affected: yes. Observed: 2 variant alleles.
Comment: CC2D2A: BP4, BP7

Labcorp Genetics (formerly Invitae), Labcorp
Classification: Likely benign for Joubert syndrome; Meckel-Gruber syndrome. Last evaluated: 2026-02-02. Review status: criteria provided, single submitter. Criteria: Invitae Variant Classification Sherloc (09022015). Collection method: clinical testing. Allele origin: germline.

Mayo Clinic Laboratories, Mayo Clinic
Classification: Likely benign. Last evaluated: 2025-05-14. Review status: criteria provided, single submitter. Criteria: ACMG Guidelines, 2015. Collection method: clinical testing. Allele origin: germline. Observed: 2 variant alleles.
Comment: BP4, BP7

Blueprint Genetics
Classification: Likely benign. Last evaluated: 2024-10-24. Review status: criteria provided, single submitter. Criteria: ACMG Guidelines, 2015. Collection method: clinical testing. Allele origin: germline.

Eurofins Ntd Llc (ga)
Classification: Uncertain significance. Last evaluated: 2018-07-24. Review status: criteria provided, single submitter. Criteria: EGL ClinVar v180209 classification definitions. Collection method: clinical testing. Allele origin: germline. Observed: 3 variant alleles, 3 heterozygotes.

GeneDx
Classification: Likely benign. Last evaluated: 2018-04-09. Review status: criteria provided, single submitter. Criteria: GeneDx Variant Classification (06012015). Collection method: clinical testing. Allele origin: germline. Affected: yes.
Comment: This variant is considered likely benign or benign based on one or more of the following criteria: it is a conservative change, it occurs at a poorly conserved position in the protein, it is predicted to be benign by multiple in silico algorithms, and/or has population frequency not consistent with disease.

Illumina Laboratory Services, Illumina
Classification: Uncertain significance for Joubert syndrome 9. Last evaluated: 2018-01-13. Review status: criteria provided, single submitter. Criteria: ICSL Variant Classification Criteria 13 December 2019. Collection method: clinical testing. Allele origin: germline.

Illumina Laboratory Services, Illumina
Classification: Uncertain significance for Meckel syndrome, type 6. Last evaluated: 2018-01-13. Review status: criteria provided, single submitter. Criteria: ICSL Variant Classification Criteria 13 December 2019. Collection method: clinical testing. Allele origin: germline.

Genetic Services Laboratory, University of Chicago
Classification: Uncertain significance. Last evaluated: 2015-06-26. Review status: criteria provided, single submitter. Criteria: ACMG Guidelines, 2015. Collection method: clinical testing. Allele origin: germline.

PreventionGenetics, part of Exact Sciences
Classification: Likely benign. Review status: criteria provided, single submitter. Criteria: ACMG Guidelines, 2015. Collection method: clinical testing. Allele origin: germline.

Clinical Genetics DNA and cytogenetics Diagnostics Lab, Erasmus MC, Erasmus Medical Center
Classification: Likely benign. Review status: no assertion criteria provided. Collection method: clinical testing. Allele origin: germline. Affected: yes. Study: VKGL Data-share Consensus. Not counted in ClinVar's aggregate classification.

Clinical Genetics, Academic Medical Center
Classification: Likely benign. Review status: no assertion criteria provided. Collection method: clinical testing. Allele origin: germline. Affected: yes. Study: VKGL Data-share Consensus. Not counted in ClinVar's aggregate classification.

NM_001378615.1(CC2D2A):c.4296T>C (p.Cys1432=)

Genes: CC2D2A (coiled-coil and C2 domain containing 2A; plus strand), FBXL5 (F-box and leucine rich repeat protein 5; minus strand). Cytogenetic location: 4p15.32.
Variant type: single nucleotide variant.
Coding change: c.4296T>C on transcript NM_001378615.1 (MANE Select); coding-DNA position 4296, T replaced by C.
Protein change: p.Cys1432=; no amino-acid change (cysteine 1432 retained).
Molecular consequence: synonymous variant.
Genome position (GRCh38, 1-based): chr4:15,589,661, T>C. VCF-style: chr4-15589661-T-C. GRCh37 (hg19) VCF-style: chr4-15591284-T-C.
Other names: p.Cys1432=; c.4296T>C, p.Cys1432= (NM_001080522.2); c.4149T>C, p.Cys1383= (NM_001378617.1).
Identifiers: ClinVar variation 210611 (VCV000210611.36), dbSNP rs372671421, ClinGen allele CA209579.